The following is an entry in ClinVar:

ClinVar aggregate classification (germline): Uncertain significance (1 of 4 stars; one submission).

Submission:

CeGaT Center for Human Genetics Tuebingen
Classification: Uncertain significance. Last evaluated: 2023-08-01. Review status: criteria provided, single submitter. Criteria: CeGaT Center For Human Genetics Tuebingen Variant Classification Criteria Version 2. Collection method: clinical testing. Allele origin: germline. Affected: yes. Observed: 1 variant allele.
Comment: PLEKHM1: PM2

NM_014798.3(PLEKHM1):c.583C>A (p.Leu195Met)

Gene: PLEKHM1 (pleckstrin homology and RUN domain containing M1; minus strand). Cytogenetic location: 17q21.31.
Variant type: single nucleotide variant.
Coding change: c.583C>A on transcript NM_014798.3 (MANE Select); coding-DNA position 583, C replaced by A.
Protein change: p.Leu195Met; replaces leucine 195 with methionine.
Molecular consequence: missense variant. On other transcripts: non-coding transcript variant (2).
Genome position (GRCh38, 1-based): chr17:45,475,440, G>T on the plus strand (C>A on the coding strand, the complement: PLEKHM1 is on the minus strand). VCF-style: chr17-45475440-G-T. GRCh37 (hg19) VCF-style: chr17-43552806-G-T.
Other names: c.583C>A, p.Leu195Met (NM_001352825.2); short protein forms L195M.
Identifiers: ClinVar variation 2647848 (VCV002647848.24), dbSNP rs2510725901, ClinGen allele CA399888893.